The following is an entry in ClinVar:

NM_004064.5(CDKN1B):c.16G>T (p.Val6Leu)

Gene: CDKN1B (cyclin dependent kinase inhibitor 1B; plus strand). Cytogenetic location: 12p13.1.
Variant type: single nucleotide variant.
Coding change: c.16G>T on transcript NM_004064.5 (MANE Select); coding-DNA position 16, G replaced by T.
Protein change: p.Val6Leu; replaces valine 6 with leucine.
Molecular consequence: missense variant.
Genome position (GRCh38, 1-based): chr12:12,717,855, G>T. VCF-style: chr12-12717855-G-T. GRCh37 (hg19) VCF-style: chr12-12870789-G-T.
Other names: short protein forms V6L.
Identifiers: ClinVar variation 4224760 (VCV004224760.1).

ClinVar aggregate classification (germline): Uncertain significance (1 of 4 stars; one submission).

Conditions:
Hereditary cancer-predisposing syndrome. Also called: Hereditary Cancer Syndrome; Hereditary neoplastic syndrome; Neoplastic Syndromes, Hereditary; Tumor predisposition. Identifiers: Orphanet 140162, MedGen C0027672, MeSH D009386, MONDO:0015356.

Submission:

Ambry Genetics
Classification: Uncertain significance for Hereditary cancer-predisposing syndrome. Last evaluated: 2025-09-10. Review status: criteria provided, single submitter. Criteria: Ambry Variant Classification Scheme 2023. Collection method: clinical testing. Allele origin: germline.
Comment: The p.V6L variant (also known as c.16G>T), located in coding exon 1 of the CDKN1B gene, results from a G to T substitution at nucleotide position 16. The valine at codon 6 is replaced by leucine, an amino acid with highly similar properties. This amino acid position is conserved. In addition, this alteration is predicted to be tolerated by in silico analysis. Based on the available evidence, the clinical significance of this variant remains unclear.